The following is an entry in ClinVar:

ClinVar aggregate classification (germline): Uncertain significance. Review status: criteria provided, multiple submitters, no conflicts (2 of 4 stars). 2 submissions from 2 submitters: Uncertain significance (2). Last evaluated 2023-12-22.

Conditions:
Inborn genetic diseases. Identifiers: MedGen C0950123, MeSH D030342.

Allele frequency attached by ClinVar (database versions not stated): ExAC 0.00001; gnomAD exomes 0.00001; gnomAD 0.00002; TOPMed 0.00003.
gnomAD v4.1: 15 of 1,613,794 alleles (0.00093%); highest among the groups gnomAD compares: Admixed American, 0.0083%; no homozygotes.

Submissions (2):

Ambry Genetics
Classification: Uncertain significance for Inborn genetic diseases. Last evaluated: 2023-12-22. Review status: criteria provided, single submitter. Criteria: Ambry Variant Classification Scheme 2023. Collection method: clinical testing. Allele origin: germline.

Labcorp Genetics (formerly Invitae), Labcorp
Classification: Uncertain significance. Last evaluated: 2020-07-22. Review status: criteria provided, single submitter. Criteria: Invitae Variant Classification Sherloc (09022015). Collection method: clinical testing. Allele origin: germline.
Comment: In summary, the available evidence is currently insufficient to determine the role of this variant in disease. Therefore, it has been classified as a Variant of Uncertain Significance. Algorithms developed to predict the effect of missense changes on protein structure and function output the following: SIFT: "Deleterious"; PolyPhen-2: "Benign"; Align-GVGD: "Class C65". The isoleucine amino acid residue is found in multiple mammalian species, suggesting that this missense change does not adversely affect protein function. These predictions have not been confirmed by published functional studies and their clinical significance is uncertain. This variant has not been reported in the literature in individuals with RP1-related conditions. This variant is present in population databases (rs755107767, ExAC 0.002%). This sequence change replaces lysine with isoleucine at codon 675 of the RP1 protein (p.Lys675Ile). The lysine residue is highly conserved and there is a moderate physicochemical difference between lysine and isoleucine.

NM_006269.2(RP1):c.2024A>T (p.Lys675Ile)

Gene: RP1 (RP1 axonemal microtubule associated; plus strand). Cytogenetic location: 8q12.1.
Variant type: single nucleotide variant.
Coding change: c.2024A>T on transcript NM_006269.2 (MANE Select); coding-DNA position 2024, A replaced by T.
Protein change: p.Lys675Ile; replaces lysine 675 with isoleucine.
Molecular consequence: missense variant. On other transcripts: intron variant (1).
Genome position (GRCh38, 1-based): chr8:54,625,906, A>T. VCF-style: chr8-54625906-A-T. GRCh37 (hg19) VCF-style: chr8-55538466-A-T.
Other names: c.787+3618A>T (NM_001375654.1); c.2024A>T (NM_006269.1); short protein forms K675I.
Identifiers: ClinVar variation 1055261 (VCV001055261.10), dbSNP rs755107767, ClinGen allele CA4751468.